The following is an entry in ClinVar:

ClinVar aggregate classification (germline): Uncertain significance (1 of 4 stars; one submission).

Conditions:
Inborn genetic diseases. Identifiers: MedGen C0950123, MeSH D030342.

gnomAD v4.1: 3 of 1,613,356 alleles (0.00019%); highest among the groups gnomAD compares: Non-Finnish European, 0.00025%; no homozygotes.

Submission:

Ambry Genetics
Classification: Uncertain significance for Inborn genetic diseases. Last evaluated: 2025-03-07. Review status: criteria provided, single submitter. Criteria: Ambry Variant Classification Scheme 2023. Collection method: clinical testing. Allele origin: germline.
Comment: The p.F365L variant (also known as c.1095C>G), located in coding exon 10 of the DDX41 gene, results from a C to G substitution at nucleotide position 1095. The phenylalanine at codon 365 is replaced by leucine, an amino acid with highly similar properties. This amino acid position is highly conserved in available vertebrate species. In addition, the in silico prediction for this alteration is inconclusive. Based on the available evidence, the clinical significance of this variant remains unclear.

NM_016222.4(DDX41):c.1095C>G (p.Phe365Leu)

Gene: DDX41 (DEAD-box helicase 41; minus strand). Cytogenetic location: 5q35.3.
Variant type: single nucleotide variant.
Coding change: c.1095C>G on transcript NM_016222.4 (MANE Select); coding-DNA position 1095, C replaced by G.
Protein change: p.Phe365Leu; replaces phenylalanine 365 with leucine.
Molecular consequence: missense variant.
Genome position (GRCh38, 1-based): chr5:177,513,688, G>C on the plus strand (C>G on the coding strand, the complement: DDX41 is on the minus strand). VCF-style: chr5-177513688-G-C. GRCh37 (hg19) VCF-style: chr5-176940689-G-C.
Other names: c.717C>G, p.Phe239Leu (NM_001321732.2, NM_001321830.2); short protein forms F239L, F365L.
Identifiers: ClinVar variation 3839047 (VCV003839047.1).
Genomic context (GRCh38, chr5:177,513,688, plus strand): 5'-TGATGTGGCGTGCAGTGGGGGGCGGTGCAGGGTGCCCTGGCCGGGCGGGGGCGGCACCTT[G>C]AAGTAGGAGAAGATGGTACGGATGTCACCCTCGAAGCCCATGTCGATCATGCGGTCAGCC-3'
Protein context (NP_057306.2, residues 355-375): EGDIRTIFSY[Phe365Leu]KGQRQTLLFS